The following is an entry in ClinVar:

NM_004519.4(KCNQ3):c.1657G>A (p.Gly553Arg)

Gene: KCNQ3 (potassium voltage-gated channel subfamily Q member 3; minus strand). Cytogenetic location: 8q24.22.
Variant type: single nucleotide variant.
Coding change: c.1657G>A on transcript NM_004519.4 (MANE Select); coding-DNA position 1657, G replaced by A.
Protein change: p.Gly553Arg; replaces glycine 553 with arginine.
Molecular consequence: missense variant.
Genome position (GRCh38, 1-based): chr8:132,137,928, C>T on the plus strand (G>A on the coding strand, the complement: KCNQ3 is on the minus strand). VCF-style: chr8-132137928-C-T. GRCh37 (hg19) VCF-style: chr8-133150175-C-T.
Other names: c.1297G>A, p.Gly433Arg (NM_001204824.2); short protein forms G433R, G553R.
Identifiers: ClinVar variation 978935 (VCV000978935.11), dbSNP rs1825159081, ClinGen allele CA372218979.

ClinVar aggregate classification (germline): Conflicting classifications of pathogenicity. Review status: criteria provided, conflicting classifications (1 of 4 stars). 4 submissions from 4 submitters: Pathogenic (2); Uncertain significance (1). 1 of the submissions does not count toward it. Last evaluated 2025-10-10.

Conditions:
Inborn genetic diseases. Identifiers: MedGen C0950123, MeSH D030342.
Intellectual disability. Also called: intellectual disabilities; Intellectual developmental disorder; Intellectual functioning disability. Identifiers: MedGen C3714756, MeSH D008607, MONDO:0001071, HP:0001249.
Benign neonatal seizures. Also called: Benign familial neonatal seizures; Convulsions benign familial neonatal dominant form; Autosomal dominant form of benign neonatal seizures; Benign neonatal familial convulsions; Benign familial neonatal epilepsy. Identifiers: Orphanet 1949, MedGen C0220669, MONDO:0016027.
Early Infantile Epileptic Encephalopathy, Autosomal Dominant.
Early Infantile Epileptic Encephalopathy, Autosomal Recessive.
Seizures, benign familial neonatal, 2. Also called: Benign Neonatal Epilepsy 2; KCNQ3-Related Benign Familial Neonatal Epilepsy; CONVULSIONS, BENIGN FAMILIAL NEONATAL, 2; Seizures, benign neonatal, 2; KCNQ3-Related Self-Limited Familial Neonatal Epilepsy (SLFNE). Identifiers: Orphanet 1949, MedGen C1852581, MONDO:0007366, OMIM 121201.

Submissions (4):

Ambry Genetics
Classification: Pathogenic for Inborn genetic diseases. Last evaluated: 2025-10-10. Review status: criteria provided, single submitter. Criteria: Ambry Variant Classification Scheme 2023. Collection method: clinical testing. Allele origin: germline.
Comment: The c.1657G>A (p.G553R) alteration is located in exon 12 (coding exon 12) of the KCNQ3 gene. This alteration results from a G to A substitution at nucleotide position 1657, causing the glycine (G) at amino acid position 553 to be replaced by an arginine (R). for KCNQ3-related neurodevelopmental disorder; however, its clinical significance for KCNQ3-related benign neonatal seizures is uncertain. This variant was not reported in population-based cohorts in the Genome Aggregation Database (gnomAD). This variant was reported in individual(s) with features consistent with KCNQ3-related neurodevelopmental disorder; in at least one individual, it was determined to be de novo (Miyake, 2021; Kaplanis, 2020; external communication). This amino acid position is highly conserved in available vertebrate species. In an assay testing KCNQ3 function, this variant showed a functionally abnormal result (Wu, 2025). This alteration is predicted to be deleterious by in silico analysis. Based on the available evidence, this alteration is classified as pathogenic.

GeneDx
Classification: Pathogenic. Last evaluated: 2024-03-12. Review status: criteria provided, single submitter. Criteria: GeneDx Variant Classification Process June 2021. Collection method: clinical testing. Allele origin: germline. Affected: yes.
Comment: Not observed at significant frequency in large population cohorts (gnomAD); In silico analysis supports that this missense variant has a deleterious effect on protein structure/function; This variant is associated with the following publications: (PMID: 31785789, 28135719, 33037390)

Diagnostic Laboratory, Strasbourg University Hospital
Classification: Uncertain significance for Intellectual disability. Last evaluated: 2020-04-20. Review status: criteria provided, single submitter. Criteria: ACMG Guidelines, 2015. Collection method: clinical testing. Allele origin: maternal. Inheritance: Autosomal dominant inheritance. Affected: yes. Observed: 1 heterozygote.

GeneReviews
No classification provided. Condition: Seizures, benign familial neonatal, 2. Review status: no classification provided. Collection method: literature only. Allele origin: germline. Not counted in ClinVar's aggregate classification.

Literature cited by the submitters: PubMed 33037390 (cited by Ambry Genetics); PubMed 33057194 (cited by Ambry Genetics); PubMed 40095209 (cited by Ambry Genetics); NCBI Bookshelf NBK201978 (cited by GeneReviews); PubMed 28135719 (cited by GeneReviews).